The following is an entry in ClinVar:

NM_001077365.2(POMT1):c.1330C>T (p.Arg444Cys)

Gene: POMT1 (protein O-mannosyltransferase 1; plus strand). Cytogenetic location: 9q34.13.
Variant type: single nucleotide variant.
Coding change: c.1330C>T on transcript NM_001077365.2 (MANE Select); coding-DNA position 1330, C replaced by T.
Protein change: p.Arg444Cys; replaces arginine 444 with cysteine.
Molecular consequence: missense variant. On other transcripts: non-coding transcript variant (10).
Genome position (GRCh38, 1-based): chr9:131,518,502, C>T. VCF-style: chr9-131518502-C-T. GRCh37 (hg19) VCF-style: chr9-134393889-C-T.
Other names: c.1330C>T (NM_001077365.1); c.1168C>T, p.Arg390Cys (NM_001077366.2, NM_001353194.2); c.1330C>T, p.Arg444Cys (NM_001136113.2, NM_001374690.1); c.979C>T, p.Arg327Cys (NM_001136114.2, NM_001353195.2, NM_001374691.1 and 2 more transcripts); c.1396C>T, p.Arg466Cys (NM_001353193.2, NM_007171.4); c.1240C>T, p.Arg414Cys (NM_001353196.2); c.1234C>T, p.Arg412Cys (NM_001353197.2, NM_001353198.2); c.1045C>T, p.Arg349Cys (NM_001353199.2); and 3 more; short protein forms R466C, R349C, R414C, R444C, R292C, R327C, R390C, R412C.
Identifiers: ClinVar variation 538722 (VCV000538722.15), dbSNP rs752384050, ClinGen allele CA5293658.

ClinVar aggregate classification (germline): Conflicting classifications of pathogenicity. Review status: criteria provided, conflicting classifications (1 of 4 stars). 5 submissions from 5 submitters: Likely pathogenic (1); Uncertain significance (3). 1 of the submissions does not count toward it. Last evaluated 2023-07-17.

Conditions:
Autosomal recessive limb-girdle muscular dystrophy type 2K. Also called: MUSCULAR DYSTROPHY-DYSTROGLYCANOPATHY (LIMB-GIRDLE), TYPE C, 1; MUSCULAR DYSTROPHY, LIMB-GIRDLE, TYPE 2K. Identifiers: Orphanet 86812, MedGen C1836373, MONDO:0012248, OMIM 609308.
Walker-Warburg congenital muscular dystrophy. Also called: Muscular dystrophy-dystroglycanopathy, type A; Walker-Warburg syndrome. Identifiers: Orphanet 899, MedGen C0265221, MONDO:0000171.
Muscular dystrophy-dystroglycanopathy (congenital with impaired intellectual development), type B, 1. Also called: Muscular dystrophy-dystroglycanopathy (congenital with intellectual disability), type B1; MUSCULAR DYSTROPHY, CONGENITAL, POMT1-RELATED. Identifiers: MedGen C5436962, MONDO:0013159, OMIM 613155.
Muscular dystrophy-dystroglycanopathy (congenital with brain and eye anomalies), type A1 (MDDGA1). Also called: Muscular dystrophy-dystroglycanopathy (congenital with brain and eye anomalies), type A, 1; WALKER-WARBURG SYNDROME OR MUSCLE-EYE-BRAIN DISEASE, POMT1-RELATED; Hydrocephalus, agyria and retinal dysplasia; Hard +/- E syndrome; Warburg syndrome; Chemke syndrome. Identifiers: Orphanet 588, Orphanet 899, MedGen C4284790, MONDO:0009364, OMIM 236670.
POMT1-related disorder. Also called: POMT1-related condition; POMT1-related disorders.

Allele frequency attached by ClinVar (database versions not stated): gnomAD 0.00002 and 0.00003; ExAC 0.00003; gnomAD exomes 0.00002 and 0.00003; TOPMed 0.00003.
gnomAD v4.1: 45 of 1,613,810 alleles (0.0028%); highest among the groups gnomAD compares: South Asian, 0.0055%; no homozygotes.

Submissions (5):

Victorian Clinical Genetics Services, Murdoch Childrens Research Institute
Classification: Likely pathogenic for Muscular dystrophy-dystroglycanopathy (congenital with brain and eye anomalies), type A1. Last evaluated: 2023-07-17. Review status: criteria provided, single submitter. Criteria: ACMG Guidelines, 2015. Collection method: clinical testing. Allele origin: germline. Inheritance: Autosomal recessive inheritance. Affected: yes.
Comment: Based on the classification scheme VCGS_Germline_v1.3.4, this variant is classified as Likely pathogenic. Following criteria are met: 0102 - Loss of function is a known mechanism of disease in this gene and is associated with POMT1-related muscular dystrophy. (I) 0106 - This gene is associated with autosomal recessive disease. (I) 0200 - Variant is predicted to result in a missense amino acid change from arginine to cysteine. (I) 0251 - This variant is heterozygous. (I) 0304 - Variant is present in gnomAD (v2) <0.01 for a recessive condition (5 heterozygotes, 0 homozygotes). (SP) 0309 - An alternative amino acid change at the same position has been observed in gnomAD (v3) (2 heterozygotes, 0 homozygotes). (I) 0501 - Missense variant consistently predicted to be damaging by multiple in silico tools or highly conserved with a major amino acid change. (SP) 0600 - Variant is located in the annotated MIR domain (DECIPHER). (I) 0710 - Another missense variant comparable to the one identified in this case has inconclusive previous evidence for pathogenicity. p.(Arg444His) has been classified as a VUS by several clinical laboratories in ClinVar. (I) 0809 - Previous evidence of pathogenicity for this variant is inconclusive. This variant has been classified as a VUS by several clinical laboratories in ClinVar. (I) 0905 - No published segregation evidence has been identified for this variant. (I) 1007 - No published functional evidence has been identified for this variant. (I) 1102 - Strong phenotype match for this individual. (SP) 1201 - Heterozygous variant detected in trans with a second pathogenic heterozygous variant p.(Trp464Leufs*74) in a recessive disease. (I) Legend: (SP) - Supporting pathogenic, (I) - Information, (SB) - Supporting benign

GeneDx
Classification: Uncertain significance. Last evaluated: 2023-05-12. Review status: criteria provided, single submitter. Criteria: GeneDx Variant Classification Process June 2021. Collection method: clinical testing. Allele origin: germline. Affected: yes.
Comment: Not observed at significant frequency in large population cohorts (gnomAD); In silico analysis supports that this missense variant has a deleterious effect on protein structure/function; Has not been previously published as pathogenic or benign to our knowledge

Labcorp Genetics (formerly Invitae), Labcorp
Classification: Uncertain significance for Muscular dystrophy-dystroglycanopathy (congenital with impaired intellectual development), type B, 1; Walker-Warburg congenital muscular dystrophy; Autosomal recessive limb-girdle muscular dystrophy type 2K. Last evaluated: 2022-08-10. Review status: criteria provided, single submitter. Criteria: Invitae Variant Classification Sherloc (09022015). Collection method: clinical testing. Allele origin: germline.
Comment: This sequence change replaces arginine, which is basic and polar, with cysteine, which is neutral and slightly polar, at codon 466 of the POMT1 protein (p.Arg466Cys). This variant is present in population databases (rs752384050, gnomAD 0.004%). This variant has not been reported in the literature in individuals affected with POMT1-related conditions. ClinVar contains an entry for this variant (Variation ID: 538722). Algorithms developed to predict the effect of missense changes on protein structure and function (SIFT, PolyPhen-2, Align-GVGD) all suggest that this variant is likely to be disruptive. In summary, the available evidence is currently insufficient to determine the role of this variant in disease. Therefore, it has been classified as a Variant of Uncertain Significance.

Eurofins Ntd Llc (ga)
Classification: Uncertain significance. Last evaluated: 2018-05-02. Review status: criteria provided, single submitter. Criteria: EGL ClinVar v180209 classification definitions. Collection method: clinical testing. Allele origin: germline. Observed: 1 variant allele, 1 heterozygote.

PreventionGenetics, part of Exact Sciences
Classification: Uncertain significance for POMT1-related condition. Last evaluated: 2023-11-21. Review status: no assertion criteria provided. Collection method: clinical testing. Allele origin: germline. Not counted in ClinVar's aggregate classification.
Comment: The POMT1 c.1396C>T variant is predicted to result in the amino acid substitution p.Arg466Cys. To our knowledge, this variant has not been reported in the literature. This variant is reported in 0.0040% of alleles in individuals of African descent in gnomAD. At this time, the clinical significance of this variant is uncertain due to the absence of conclusive functional and genetic evidence.